The following is an entry in ClinVar:

ClinVar aggregate classification (germline): Likely benign (0 of 4 stars; one submission).

Conditions:
TMEM94-related disorder. Also called: TMEM94-related condition.

Allele frequency attached by ClinVar (database versions not stated): gnomAD 0.00020; TOPMed 0.00020; gnomAD exomes 0.00021; 1000 Genomes Project 30x 0.00031; ESP Exome Variant Server 0.00031; ExAC 0.00033; 1000 Genomes Project 0.00040.
gnomAD v4.1: 364 of 1,610,262 alleles (0.023%); highest among the groups gnomAD compares: Middle Eastern, 0.13%; 4 homozygotes.

Submission:

PreventionGenetics, part of Exact Sciences
Classification: Likely benign for TMEM94-related condition. Last evaluated: 2019-05-23. Review status: no assertion criteria provided. Collection method: clinical testing. Allele origin: germline.
Comment: This variant is classified as likely benign based on ACMG/AMP sequence variant interpretation guidelines (Richards et al. 2015 PMID: 25741868, with internal and published modifications).

NM_014738.6(TMEM94):c.1858G>A (p.Ala620Thr)

Gene: TMEM94 (transmembrane protein 94; plus strand). Cytogenetic location: 17q25.1.
Variant type: single nucleotide variant.
Coding change: c.1858G>A on transcript NM_014738.6 (MANE Select); coding-DNA position 1858, G replaced by A.
Protein change: p.Ala620Thr; replaces alanine 620 with threonine.
Molecular consequence: missense variant.
Genome position (GRCh38, 1-based): chr17:75,492,735, G>A. VCF-style: chr17-75492735-G-A. GRCh37 (hg19) VCF-style: chr17-73488816-G-A.
Other names: c.1888G>A, p.Ala630Thr (NM_001321148.2, NM_001351203.2); c.1870G>A, p.Ala624Thr (NM_001321149.2); c.1810G>A, p.Ala604Thr (NM_001351202.2); short protein forms A604T, A620T, A624T, A630T.
Identifiers: ClinVar variation 3038813 (VCV003038813.2), dbSNP rs147708696, ClinGen allele CA8761967.
Genomic context (GRCh38, chr17:75,492,735, plus strand): 5'-GAGCGCCTGTGCCGATTCTCCGACCACCTGTGCAACATCGCCCTGCAAGAGAGCCACAGC[G>A]CCGTGCTGCCCGTCCATGTGCCCTGGGGCCTCTGCGAGCTTGCCCGCCTCATTGGTACAG-3'
Protein context (NP_055553.3, residues 610-630): CNIALQESHS[Ala620Thr]VLPVHVPWGL